The following is an entry in ClinVar:

NM_000179.3(MSH6):c.1141del (p.Glu381fs)

Gene: MSH6 (mutS homolog 6; plus strand). Cytogenetic location: 2p16.3.
Variant type: Deletion.
Coding change: c.1141del on transcript NM_000179.3 (MANE Select); coding-DNA position 1141, one base deleted (G; older notation c.1141delG).
Protein change: p.Glu381fs; shifts the reading frame from glutamic acid 381.
Molecular consequence: frameshift variant. On other transcripts: non-coding transcript variant (4), intron variant (1).
Genome position (GRCh38, 1-based): chr2:47,799,124, G deleted. VCF-style (leftmost placement, unchanged base first): chr2-47799123-TG-T. GRCh37 (hg19) VCF-style: chr2-48026262-TG-T.
Other names: c.751del, p.Glu251fs (NM_001281492.2); c.235del, p.Glu79fs (NM_001281493.2, NM_001281494.2, NM_001406811.1 and 6 more transcripts); c.1237del, p.Glu413fs (NM_001406795.1, NM_001406802.1); c.1141del, p.Glu381fs (NM_001406796.1, NM_001406798.1, NM_001406800.1 and 4 more transcripts); c.844del, p.Glu282fs (NM_001406797.1, NM_001406801.1, NM_001406805.1 and 10 more transcripts); c.616del, p.Glu206fs (NM_001406799.1, NM_001406806.1, NM_001406807.1); c.1063del, p.Glu355fs (NM_001406804.1); c.1147del, p.Glu383fs (NM_001406813.1); and 2 more; short protein forms E206fs, E251fs, E282fs, E325fs, E355fs, E381fs, E383fs, E413fs.
Identifiers: ClinVar variation 2673697 (VCV002673697.1), dbSNP rs2530592032, ClinGen allele CA2695200550.
Genomic context (GRCh38, chr2:47,799,123, plus strand): 5'-TCGCCCTACTGTTTGGTATCATGAAACTTTAGAATGGCTTAAGGAGGAAAAGAGAAGAGA[TG>T]AGCACAGGAGGAGGCCTGATCACCCCGATTTTGATGCATCTACACTCTATGTGCCTGAGG-3'

ClinVar aggregate classification (germline): Pathogenic (1 of 4 stars; one submission).

Conditions:
Lynch syndrome 5 (LYNCH5). Also called: Colorectal cancer, hereditary nonpolyposis, type 5; Hereditary non-polyposis colorectal cancer, type 5. Identifiers: Orphanet 144, MedGen C1833477, MONDO:0013710, OMIM 614350. Disease mechanism: loss of function.

Submission:

Myriad Genetics, Inc.
Classification: Pathogenic for Lynch syndrome 5. Last evaluated: 2023-08-11. Review status: criteria provided, single submitter. Criteria: Myriad Autosomal Dominant, Autosomal Recessive and X-Linked Classification Criteria (2023). Collection method: clinical testing. Allele origin: unknown.
Comment: This variant is considered pathogenic. This variant creates a frameshift predicted to result in premature protein truncation.